The following is an entry in ClinVar:

ClinVar aggregate classification (germline): Conflicting classifications of pathogenicity. Review status: criteria provided, conflicting classifications (1 of 4 stars). 2 submissions from 2 submitters: Pathogenic (1); Uncertain significance (1). Last evaluated 2024-02-24.

Conditions:
Neurofibromatosis, type 1 (NF1). Also called: Peripheral type neurofibromatosis; Neurofibromatosis, type I; NEUROFIBROMATOSIS, TYPE I, SOMATIC; VON RECKLINGHAUSEN DISEASE. Identifiers: Orphanet 636, MedGen C0027831, MONDO:0018975, OMIM 162200. Disease mechanism: loss of function.

Submissions (2):

Labcorp Genetics (formerly Invitae), Labcorp
Classification: Uncertain significance for Neurofibromatosis, type 1. Last evaluated: 2024-02-24. Review status: criteria provided, single submitter. Criteria: Invitae Variant Classification Sherloc (09022015). Collection method: clinical testing. Allele origin: germline.
Comment: This sequence change falls in intron 28 of the NF1 gene. It does not directly change the encoded amino acid sequence of the NF1 protein. This variant is not present in population databases (gnomAD no frequency). This variant has been observed in individual(s) with clinical feature of NF1-related conditions (PMID: 32126153). ClinVar contains an entry for this variant (Variation ID: 816730). Algorithms developed to predict the effect of sequence changes on RNA splicing suggest that this variant may disrupt the consensus splice site. In summary, the available evidence is currently insufficient to determine the role of this variant in disease. Therefore, it has been classified as a Variant of Uncertain Significance.

UAB Medical Genomics Laboratory, UAB Medicine
Classification: Pathogenic for Neurofibromatosis, type 1. Last evaluated: 2020-01-20. Review status: criteria provided, single submitter. Criteria: ACMG Guidelines, 2015. Collection method: clinical testing. Allele origin: germline. Affected: yes.

Literature cited by the submitters: PubMed 32126153 (cited by Labcorp Genetics (formerly Invitae), Labcorp and UAB Medical Genomics Laboratory, UAB Medicine).

NM_001042492.3(NF1):c.3871-13T>A

Gene: NF1 (neurofibromin 1; plus strand). Cytogenetic location: 17q11.2.
Variant type: single nucleotide variant.
Coding change: c.3871-13T>A on transcript NM_001042492.3 (MANE Select); 13 bases into the intron before coding-DNA position 3871, T replaced by A.
Molecular consequence: intron variant.
Genome position (GRCh38, 1-based): chr17:31,235,905, T>A. VCF-style: chr17-31235905-T-A. GRCh37 (hg19) VCF-style: chr17-29562923-T-A.
Other names: c.3871-13T>A (NM_000267.4).
Identifiers: ClinVar variation 816730 (VCV000816730.4), dbSNP rs1597722866, ClinGen allele CA915949946.